The following is an entry in ClinVar:

NM_033028.5(BBS4):c.24+2T>G

Gene: BBS4 (Bardet-Biedl syndrome 4; plus strand). Cytogenetic location: 15q24.1.
Variant type: single nucleotide variant.
Coding change: c.24+2T>G on transcript NM_033028.5 (MANE Select); the canonical splice donor site of the intron after coding-DNA position 24, T replaced by G.
Molecular consequence: splice donor variant. On other transcripts: non-coding transcript variant (1).
Genome position (GRCh38, 1-based): chr15:72,686,253, T>G. VCF-style: chr15-72686253-T-G. GRCh37 (hg19) VCF-style: chr15-72978594-T-G.
Other names: c.24+2T>G (NM_001320665.2); c.-446+2T>G (NM_001252678.2).
Identifiers: ClinVar variation 2849475 (VCV002849475.3), dbSNP rs2542861731, ClinGen allele CA393075086.
Genomic context (GRCh38, chr15:72,686,253, plus strand): 5'-CGACTTCCGGCCGCGCAGCGGTGGGCTGAGCTAAAATGGCTGAGGAGAGAGTCGCGACGG[T>G]GAGCGCCGAGATTCTCTTTAGTTGCCCGGCCGCAGGGCAAGGCAAGCTGGCGGGTGGCTT-3'

ClinVar aggregate classification (germline): Likely pathogenic (1 of 4 stars; one submission).

Conditions:
Bardet-Biedl syndrome (BBS). Identifiers: Orphanet 110, MedGen C0752166, MONDO:0015229.

Submission:

Labcorp Genetics (formerly Invitae), Labcorp
Classification: Likely pathogenic for Bardet-Biedl syndrome. Last evaluated: 2023-03-26. Review status: criteria provided, single submitter. Criteria: Invitae Variant Classification Sherloc (09022015). Collection method: clinical testing. Allele origin: germline.
Comment: This variant has not been reported in the literature in individuals affected with BBS4-related conditions. This sequence change affects a donor splice site in intron 1 of the BBS4 gene. It is expected to disrupt RNA splicing. Variants that disrupt the donor or acceptor splice site typically lead to a loss of protein function (PMID: 16199547), and loss-of-function variants in BBS4 are known to be pathogenic (PMID: 11381270, 12016587, 20177705, 27894351). This variant is not present in population databases (gnomAD no frequency). In summary, the currently available evidence indicates that the variant is pathogenic, but additional data are needed to prove that conclusively. Therefore, this variant has been classified as Likely Pathogenic. Algorithms developed to predict the effect of sequence changes on RNA splicing suggest that this variant may disrupt the consensus splice site.

Literature cited by the submitters: PubMed 16199547; PubMed 11381270; PubMed 12016587; PubMed 20177705; PubMed 27894351.